The following is an entry in ClinVar:

ClinVar aggregate classification (germline): Pathogenic (0 of 4 stars; one submission).

Conditions:
Holoprosencephaly 3 (HPE3). Identifiers: Orphanet 2162, MedGen C1840529, MONDO:0007733, OMIM 142945.

Submission:

GeneReviews
Classification: Pathogenic for Holoprosencephaly. Last evaluated: 2013-08-29. Review status: no assertion criteria provided. Collection method: curation. Allele origin: unknown.
ClinVar note: Converted during submission from pathologic to Pathogenic.

NM_000193.4(SHH):c.1212_1226del (p.Asp405_Gly409del)

Gene: SHH (sonic hedgehog signaling molecule; minus strand). Cytogenetic location: 7q36.3.
Variant type: Deletion.
Coding change: c.1212_1226del on transcript NM_000193.4 (MANE Select); coding-DNA positions 1212 to 1226, 15 bases deleted (GGACCGCGGGGGCGG).
Protein change: p.Asp405_Gly409del.
Molecular consequence: inframe deletion. On other transcripts: intron variant (1).
Genome position (GRCh38, 1-based): chr7:155,803,063-155,803,077, CCGCCCCCGCGGTCC deleted on the plus strand (GGACCGCGGGGGCGG on the coding strand, the reverse complement: SHH is on the minus strand); deleting any 15 consecutive bases within chr7:155,803,063-155,803,082 gives the same sequence; the c. name uses the placement nearest the transcript's 3' end. VCF-style (leftmost placement, unchanged base first): chr7-155803062-GCCGCCCCCGCGGTCC-G. GRCh37 (hg19) VCF-style: chr7-155595756-GCCGCCCCCGCGGTCC-G.
Other names: c.1361-1375del; c.302-2832_302-2818del (NM_001310462.2).
Identifiers: ClinVar variation 65849 (VCV000065849.2), dbSNP rs587778786, ClinGen allele CA345177.